The following is an entry in ClinVar:

NM_002769.5(PRSS1):c.275A>T (p.Lys92Met)

Genes: TRB (T cell receptor beta locus; plus strand), PRSS1 (serine protease 1; plus strand). Cytogenetic location: 7q34.
Variant type: single nucleotide variant.
Coding change: c.275A>T on transcript NM_002769.5 (MANE Select); coding-DNA position 275, A replaced by T.
Protein change: p.Lys92Met; replaces lysine 92 with methionine.
Molecular consequence: missense variant. On other transcripts: non-coding transcript variant (4).
Genome position (GRCh38, 1-based): chr7:142,751,848, A>T. VCF-style: chr7-142751848-A-T. GRCh37 (hg19) VCF-style: chr7-142459699-A-T.
Other names: short protein forms K92M.
Identifiers: ClinVar variation 1795655 (VCV001795655.2), dbSNP rs2485753088, ClinGen allele CA369608621.

ClinVar aggregate classification (germline): Uncertain significance (1 of 4 stars; one submission).

Conditions:
Hereditary pancreatitis (PCTT). Also called: Hereditary chronic pancreatitis; PRSS1-Related Hereditary Pancreatitis. Identifiers: Orphanet 676, MedGen C0238339, MONDO:0008185, OMIM 167800.

Submission:

Ambry Genetics
Classification: Uncertain significance for Hereditary pancreatitis. Last evaluated: 2020-10-22. Review status: criteria provided, single submitter. Criteria: Ambry Variant Classification Scheme 2023. Collection method: clinical testing. Allele origin: germline.
Comment: The p.K92M variant (also known as c.275A>T), located in coding exon 3 of the PRSS1 gene, results from an A to T substitution at nucleotide position 275. The lysine at codon 92 is replaced by methionine, an amino acid with similar properties. This amino acid position is well conserved in available vertebrate species. In addition, the in silico prediction for this alteration is inconclusive. Since supporting evidence is limited at this time, the clinical significance of this alteration remains unclear.